The following is an entry in ClinVar:

ClinVar aggregate classification (germline): Likely benign (1 of 4 stars; one submission).

Conditions:
Malignant hyperthermia, susceptibility to, 5 (MHS5). Also called: CACNA1S-Related Malignant Hyperthermia Susceptibility. Identifiers: Orphanet 423, MedGen C1866077, MONDO:0011163, OMIM 601887.

Allele frequency attached by ClinVar (database versions not stated): gnomAD exomes below 0.00001.
gnomAD v4.1: 1 of 1,614,212 alleles (0.000062%); highest among the groups gnomAD compares: Non-Finnish European, 0.000085%; no homozygotes.

Submission:

All of Us Research Program, National Institutes of Health
Classification: Likely benign for Malignant hyperthermia, susceptibility to, 5. Last evaluated: 2023-03-09. Review status: criteria provided, single submitter. Criteria: ACMG Guidelines, 2015. Collection method: clinical testing. Allele origin: germline. Inheritance: Autosomal dominant inheritance. Observed: 1 variant allele, 1 heterozygote.
Comment: This study involves interpretation of variants in research participants for the purpose of population health screening. Participant phenotype was not available at the time of variant classification. Additional details can be found in publication PMID: 35346344, PMCID: PMC8962531

NM_000069.3(CACNA1S):c.4626G>A (p.Glu1542=)

Gene: CACNA1S (calcium voltage-gated channel subunit alpha1 S; minus strand). Cytogenetic location: 1q32.1.
Variant type: single nucleotide variant.
Coding change: c.4626G>A on transcript NM_000069.3 (MANE Select); coding-DNA position 4626, G replaced by A.
Protein change: p.Glu1542=; no amino-acid change (glutamic acid 1542 retained).
Molecular consequence: synonymous variant.
Genome position (GRCh38, 1-based): chr1:201,047,157, C>T on the plus strand (G>A on the coding strand, the complement: CACNA1S is on the minus strand). VCF-style: chr1-201047157-C-T. GRCh37 (hg19) VCF-style: chr1-201016285-C-T.
Identifiers: ClinVar variation 3069778 (VCV003069778.1), dbSNP rs2464429113, ClinGen allele CA422717478.